The following is an entry in ClinVar:

ClinVar aggregate classification (germline): Pathogenic/Likely pathogenic. Review status: criteria provided, multiple submitters, no conflicts (2 of 4 stars). 2 submissions from 2 submitters: Pathogenic (1); Likely pathogenic (1). Last evaluated 2025-09-13.

Conditions:
Epidermolysis bullosa dystrophica. Also called: Dystrophic epidermolysis bullosa, Hallopeau-Siemens type (formerly); Dystrophic epidermolysis bullosa. Identifiers: Orphanet 303, MedGen C0079294, MONDO:0006543.

Allele frequency attached by ClinVar (database versions not stated): gnomAD exomes below 0.00001; gnomAD 0.00001; TOPMed 0.00001.
gnomAD v4.1: 7 of 1,613,914 alleles (0.00043%); highest among the groups gnomAD compares: Non-Finnish European, 0.00059%; no homozygotes.

Submissions (2):

Natera, Inc.
Classification: Likely pathogenic for Dystrophic epidermolysis bullosa. Last evaluated: 2025-09-13. Review status: criteria provided, single submitter. Criteria: Natera Variant Classification Schema (03/2026). Collection method: clinical testing. Allele origin: germline.
Comment: The c.6637G>A variant in COL7A1 is a missense variant predicted to cause substitution of glycine to arginine at amino acid 2213. This variant is rare in the general population with a frequency below the threshold expected for the associated phenotype(s). This variant has been observed in one or more individuals affected with the associated recessive disease, as either homozygous or compound heterozygous with a second variant (PMID: 21113014). This variant has been observed in affected individual(s) with monoallelic occurrence (heterozygous/hemizygous) (PMID: 19197535). This variant has been identified in one or more affected individual with a phenotype highly consistent with the associated gene (PMID: 21113014). Computational prediction algorithms indicate this variant is likely to affect gene or protein function. Given the available evidence, this variant is classified as Likely Pathogenic.

Labcorp Genetics (formerly Invitae), Labcorp
Classification: Pathogenic. Last evaluated: 2023-01-26. Review status: criteria provided, single submitter. Criteria: Invitae Variant Classification Sherloc (09022015). Collection method: clinical testing. Allele origin: germline.
Comment: This sequence change replaces glycine, which is neutral and non-polar, with arginine, which is basic and polar, at codon 2213 of the COL7A1 protein (p.Gly2213Arg). This variant is not present in population databases (gnomAD no frequency). This missense change has been observed in individual(s) with autosomal recessive dystrophic epidermolysis bullosa (PMID: 21448560, 34826142). In at least one individual the data is consistent with being in trans (on the opposite chromosome) from a pathogenic variant. This variant has been reported in individual(s) with autosomal dominant epidermolysis bullosa dystrophica (PMID: 19197535); however, the role of the variant in this condition is currently unclear. Advanced modeling of protein sequence and biophysical properties (such as structural, functional, and spatial information, amino acid conservation, physicochemical variation, residue mobility, and thermodynamic stability) performed at Invitae indicates that this missense variant is expected to disrupt COL7A1 protein function. For these reasons, this variant has been classified as Pathogenic.

Literature cited by the submitters: PubMed 21113014 (cited by Natera, Inc.); PubMed 19197535 (cited by Natera, Inc. and Labcorp Genetics (formerly Invitae), Labcorp); PubMed 21448560 (cited by Labcorp Genetics (formerly Invitae), Labcorp); PubMed 34826142 (cited by Labcorp Genetics (formerly Invitae), Labcorp).

NM_000094.4(COL7A1):c.6637G>A (p.Gly2213Arg)

Gene: COL7A1 (collagen type VII alpha 1 chain; minus strand). Cytogenetic location: 3p21.31.
Variant type: single nucleotide variant.
Coding change: c.6637G>A on transcript NM_000094.4 (MANE Select); coding-DNA position 6637, G replaced by A.
Protein change: p.Gly2213Arg; replaces glycine 2213 with arginine.
Molecular consequence: missense variant.
Genome position (GRCh38, 1-based): chr3:48,573,330, C>T on the plus strand (G>A on the coding strand, the complement: COL7A1 is on the minus strand). VCF-style: chr3-48573330-C-T. GRCh37 (hg19) VCF-style: chr3-48610763-C-T.
Other names: short protein forms G2213R.
Identifiers: ClinVar variation 2199181 (VCV002199181.5), dbSNP rs1252952323, ClinGen allele CA352656036.
Genomic context (GRCh38, chr3:48,573,330, plus strand): 5'-CCCACCCATCTCCCTATGACCCTAACCTGTGAGCTAGGCCACTCACCCGTCCTGGAGGTC[C>T]TGTCTCTCCAGGCTCCCCCTGCAAACAACCCAGAGACTGCATGAGCAGAGCCCACGTGGC-3'
Protein context (NP_000085.1, residues 2203-2223): SGLKGEPGET[Gly2213Arg]PPGRGLTGPT